The following is an entry in ClinVar:

ClinVar aggregate classification (germline): Pathogenic. Review status: criteria provided, multiple submitters, no conflicts (2 of 4 stars). 2 submissions from 2 submitters: Pathogenic (2). Last evaluated 2024-12-04.

Conditions:
Autosomal dominant polycystic kidney disease. Identifiers: Orphanet 730, MedGen C0085413, MONDO:0004691.

Submissions (2):

Department of Pathology and Laboratory Medicine, Sinai Health System
Classification: Pathogenic for autosomal dominant polycystic kidney disease. Last evaluated: 2024-12-04. Review status: criteria provided, single submitter. Criteria: ACMG Guidelines, 2015. Collection method: clinical testing. Allele origin: germline.

GeneDx
Classification: Pathogenic. Last evaluated: 2023-09-05. Review status: criteria provided, single submitter. Criteria: GeneDx Variant Classification Process June 2021. Collection method: clinical testing. Allele origin: germline. Affected: yes.
Comment: Canonical splice site variant predicted to result in a null allele in a gene for which loss of function is a known mechanism of disease; Not observed at significant frequency in large population cohorts (gnomAD); This variant is associated with the following publications: (PMID: 32457805)

NM_001009944.3(PKD1):c.7489+1G>A

Gene: PKD1 (polycystin 1, transient receptor potential channel interacting; minus strand). Cytogenetic location: 16p13.3.
Variant type: single nucleotide variant.
Coding change: c.7489+1G>A on transcript NM_001009944.3 (MANE Select); the canonical splice donor site of the intron after coding-DNA position 7489, G replaced by A.
Molecular consequence: splice donor variant.
Genome position (GRCh38, 1-based): chr16:2,106,397, C>T on the plus strand (G>A on the coding strand, the complement: PKD1 is on the minus strand). VCF-style: chr16-2106397-C-T. GRCh37 (hg19) VCF-style: chr16-2156398-C-T.
Other names: c.7489+1G>A (NM_000296.4, NM_001009944.2).
Identifiers: ClinVar variation 2579295 (VCV002579295.2), dbSNP rs2544779978, ClinGen allele CA394369341.
Genomic context (GRCh38, chr16:2,106,397, plus strand): 5'-GCTCCGTGACGTCACAGAGTCGGGGGATCCCGCTGCTCCCCCCACGCAGGCCTGCACTCA[C>T]CCGTGCATTCGAAGTGCACCTTGGTGGTGAGGGCGTGCACAGCGCCCAGTGGGAAGAGGC-3'